The following is an entry in ClinVar:

NM_006267.5(RANBP2):c.2954C>G (p.Pro985Arg)

Gene: RANBP2 (RAN binding protein 2; plus strand). Cytogenetic location: 2q13.
Variant type: single nucleotide variant.
Coding change: c.2954C>G on transcript NM_006267.5 (MANE Select); coding-DNA position 2954, C replaced by G.
Protein change: p.Pro985Arg; replaces proline 985 with arginine.
Molecular consequence: missense variant.
Genome position (GRCh38, 1-based): chr2:108,763,493, C>G. VCF-style: chr2-108763493-C-G. GRCh37 (hg19) VCF-style: chr2-109379949-C-G.
Other names: short protein forms P985R.
Identifiers: ClinVar variation 1698176 (VCV001698176.3), dbSNP rs368547122, ClinGen allele CA348060337.

ClinVar aggregate classification (germline): Uncertain significance (1 of 4 stars; one submission).

Submission:

GeneDx
Classification: Uncertain significance. Last evaluated: 2025-07-25. Review status: criteria provided, single submitter. Criteria: GeneDx Variant Classification Process June 2021. Collection method: clinical testing. Allele origin: germline.
Comment: Not observed at significant frequency in large population cohorts (gnomAD); In silico analysis supports that this missense variant has a deleterious effect on protein structure/function; Has not been previously published as pathogenic or benign to our knowledge